The following is an entry in ClinVar:

ClinVar aggregate classification (germline): Uncertain significance (1 of 4 stars; one submission).

Conditions:
CEP164-related disorder. Also called: CEP164-related condition.

gnomAD v4.1: 25 of 1,614,014 alleles (0.0015%); highest among the groups gnomAD compares: East Asian, 0.011%; no homozygotes.

Submission:

PreventionGenetics, part of Exact Sciences
Classification: Uncertain significance for CEP164-related condition. Last evaluated: 2024-12-31. Review status: criteria provided, single submitter. Criteria: ACMG Guidelines, 2015. Collection method: clinical testing. Allele origin: germline.
Comment: The CEP164 c.3374G>A variant is predicted to result in the amino acid substitution p.Arg1125Gln. To our knowledge, this variant has not been reported in the literature. This variant is reported in 0.0050% of alleles in individuals of East Asian descent in gnomAD. At this time, the clinical significance of this variant is uncertain due to the absence of conclusive functional and genetic evidence.

NM_014956.5(CEP164):c.3374G>A (p.Arg1125Gln)

Gene: CEP164 (centrosomal protein 164; plus strand). Cytogenetic location: 11q23.3.
Variant type: single nucleotide variant.
Coding change: c.3374G>A on transcript NM_014956.5 (MANE Select); coding-DNA position 3374, G replaced by A.
Protein change: p.Arg1125Gln; replaces arginine 1125 with glutamine.
Molecular consequence: missense variant.
Genome position (GRCh38, 1-based): chr11:117,397,186, G>A. VCF-style: chr11-117397186-G-A. GRCh37 (hg19) VCF-style: chr11-117267902-G-A.
Other names: c.3383G>A, p.Arg1128Gln (NM_001271933.2); c.3380G>A, p.Arg1127Gln (NM_001440949.1); c.3374G>A, p.Arg1125Gln (NM_001440950.1, NM_001440951.1, NM_001440953.1); c.3206G>A, p.Arg1069Gln (NM_001440952.1, NM_001440969.1); c.3296G>A, p.Arg1099Gln (NM_001440954.1, NM_001440955.1, NM_001440958.1 and 1 more transcripts); c.3287G>A, p.Arg1096Gln (NM_001440956.1); c.3284G>A, p.Arg1095Gln (NM_001440957.1); c.3245G>A, p.Arg1082Gln (NM_001440960.1); and 13 more; short protein forms R1000Q, R1006Q, R1029Q, R1049Q, R1050Q, R1055Q, R1069Q, R1076Q.
Identifiers: ClinVar variation 4989854 (VCV004989854.1).